The following is an entry in ClinVar:

NM_001105206.3(LAMA4):c.4499G>A (p.Arg1500Lys)

Gene: LAMA4 (laminin subunit alpha 4; minus strand). Cytogenetic location: 6q21.
Variant type: single nucleotide variant.
Coding change: c.4499G>A on transcript NM_001105206.3 (MANE Select); coding-DNA position 4499, G replaced by A.
Protein change: p.Arg1500Lys; replaces arginine 1500 with lysine.
Molecular consequence: missense variant.
Genome position (GRCh38, 1-based): chr6:112,120,449, C>T on the plus strand (G>A on the coding strand, the complement: LAMA4 is on the minus strand). VCF-style: chr6-112120449-C-T. GRCh37 (hg19) VCF-style: chr6-112441652-C-T.
Other names: c.4478G>A, p.Arg1493Lys (NM_001105207.3, NM_002290.5); short protein forms R1500K, R1493K.
Identifiers: ClinVar variation 3703568 (VCV003703568.2).

ClinVar aggregate classification (germline): Uncertain significance (1 of 4 stars; one submission).

Conditions:
Dilated cardiomyopathy 1JJ (CMD1JJ). Identifiers: Orphanet 154, MedGen C3808935, MONDO:0014095, OMIM 615235.

gnomAD v4.1: 5 of 1,613,590 alleles (0.00031%); highest among the groups gnomAD compares: Non-Finnish European, 0.00042%; no homozygotes.

Submission:

Labcorp Genetics (formerly Invitae), Labcorp
Classification: Uncertain significance for Dilated cardiomyopathy 1JJ. Last evaluated: 2024-07-26. Review status: criteria provided, single submitter. Criteria: Invitae Variant Classification Sherloc (09022015). Collection method: clinical testing. Allele origin: germline.
Comment: This sequence change replaces arginine, which is basic and polar, with lysine, which is basic and polar, at codon 1493 of the LAMA4 protein (p.Arg1493Lys). This variant is present in population databases (no rsID available, gnomAD 0.0009%). This variant has not been reported in the literature in individuals affected with LAMA4-related conditions. An algorithm developed to predict the effect of missense changes on protein structure and function outputs the following: PolyPhen-2: "Benign". The lysine amino acid residue is found in multiple mammalian species, which suggests that this missense change does not adversely affect protein function. In summary, the available evidence is currently insufficient to determine the role of this variant in disease. Therefore, it has been classified as a Variant of Uncertain Significance.